The following is an entry in ClinVar:

NM_032043.3(BRIP1):c.2872C>T (p.Leu958=)

Gene: BRIP1 (BRCA1 interacting DNA helicase 1; minus strand). Cytogenetic location: 17q23.2.
Variant type: single nucleotide variant.
Coding change: c.2872C>T on transcript NM_032043.3 (MANE Select); coding-DNA position 2872, C replaced by T.
Protein change: p.Leu958=; no amino-acid change (leucine 958 retained).
Molecular consequence: synonymous variant.
Genome position (GRCh38, 1-based): chr17:61,685,869, G>A on the plus strand (C>T on the coding strand, the complement: BRIP1 is on the minus strand). VCF-style: chr17-61685869-G-A. GRCh37 (hg19) VCF-style: chr17-59763230-G-A.
Identifiers: ClinVar variation 530377 (VCV000530377.22), dbSNP rs1555573260, ClinGen allele CA501335510.

ClinVar aggregate classification (germline): Benign/Likely benign. Review status: criteria provided, multiple submitters, no conflicts (2 of 4 stars). 4 submissions from 4 submitters: Benign (1); Likely benign (3). Last evaluated 2025-07-08.

Conditions:
Fanconi anemia complementation group J. Also called: BRIP1-Related Fanconi Anemia. Identifiers: Orphanet 84, MedGen C1836860, MONDO:0012187, OMIM 609054.
Familial cancer of breast. Also called: BREAST CANCER, FAMILIAL; hereditary breast carcinoma; Hereditary breast cancer. Identifiers: Orphanet 227535, MedGen C0346153, MONDO:0016419, OMIM 114480. Disease mechanism: loss of function.
Hereditary cancer-predisposing syndrome. Also called: Neoplastic Syndromes, Hereditary; Hereditary neoplastic syndrome; Tumor predisposition; Hereditary Cancer Syndrome. Identifiers: Orphanet 140162, MedGen C0027672, MeSH D009386, MONDO:0015356.

Allele frequency attached by ClinVar (database versions not stated): gnomAD exomes below 0.00001.
gnomAD v4.1: 3 of 1,613,416 alleles (0.00019%); highest among the groups gnomAD compares: Non-Finnish European, 0.00025%; no homozygotes.

Submissions (4):

Labcorp Genetics (formerly Invitae), Labcorp
Classification: Likely benign for Familial cancer of breast; Fanconi anemia complementation group J. Last evaluated: 2025-07-08. Review status: criteria provided, single submitter. Criteria: Invitae Variant Classification Sherloc (09022015). Collection method: clinical testing. Allele origin: germline.

Center for Genomic Medicine, Rigshospitalet, Copenhagen University Hospital
Classification: Likely benign. Last evaluated: 2025-03-04. Review status: criteria provided, single submitter. Criteria: ACMG Guidelines, 2015. Collection method: clinical testing. Allele origin: germline.

Myriad Genetics, Inc.
Classification: Benign for Familial cancer of breast. Last evaluated: 2024-09-09. Review status: criteria provided, single submitter. Criteria: Myriad Autosomal Dominant, Autosomal Recessive and X-Linked Classification Criteria (2023). Collection method: clinical testing. Allele origin: unknown.
Comment: This variant is considered benign. This variant is a silent/synonymous amino acid change and it is not expected to impact splicing.

Ambry Genetics
Classification: Likely benign for Hereditary cancer-predisposing syndrome. Last evaluated: 2018-06-14. Review status: criteria provided, single submitter. Criteria: Ambry Variant Classification Scheme 2023. Collection method: clinical testing. Allele origin: germline.